The following is an entry in ClinVar:

ClinVar aggregate classification (germline): Uncertain significance (1 of 4 stars; one submission).

Conditions:
Cardiovascular phenotype. Identifiers: MedGen CN230736.

Allele frequency attached by ClinVar (database versions not stated): TOPMed below 0.00001.

Submission:

Ambry Genetics
Classification: Uncertain significance for Cardiovascular phenotype. Last evaluated: 2023-04-22. Review status: criteria provided, single submitter. Criteria: Ambry Variant Classification Scheme 2023. Collection method: clinical testing. Allele origin: germline.
Comment: The p.T313A variant (also known as c.937A>G), located in coding exon 5 of the EPHB4 gene, results from an A to G substitution at nucleotide position 937. The threonine at codon 313 is replaced by alanine, an amino acid with similar properties. This amino acid position is conserved. In addition, this alteration is predicted to be tolerated by in silico analysis. Since supporting evidence is limited at this time, the clinical significance of this alteration remains unclear.

NM_004444.5(EPHB4):c.937A>G (p.Thr313Ala)

Gene: EPHB4 (EPH receptor B4; minus strand). Cytogenetic location: 7q22.1.
Variant type: single nucleotide variant.
Coding change: c.937A>G on transcript NM_004444.5 (MANE Select); coding-DNA position 937, A replaced by G.
Protein change: p.Thr313Ala; replaces threonine 313 with alanine.
Molecular consequence: missense variant.
Genome position (GRCh38, 1-based): chr7:100,820,168, T>C on the plus strand (A>G on the coding strand, the complement: EPHB4 is on the minus strand). VCF-style: chr7-100820168-T-C. GRCh37 (hg19) VCF-style: chr7-100417790-T-C.
Other names: short protein forms T313A.
Identifiers: ClinVar variation 2565146 (VCV002565146.2), dbSNP rs1813185263, ClinGen allele CA368577364.